The following is an entry in ClinVar:

ClinVar aggregate classification (germline): Likely pathogenic (1 of 4 stars; one submission).

Submission:

Labcorp Genetics (formerly Invitae), Labcorp
Classification: Likely pathogenic. Last evaluated: 2024-07-19. Review status: criteria provided, single submitter. Criteria: Invitae Variant Classification Sherloc (09022015). Collection method: clinical testing. Allele origin: germline.
Comment: This sequence change affects an acceptor splice site in intron 6 of the GGCX gene. It is expected to disrupt RNA splicing. Variants that disrupt the donor or acceptor splice site typically lead to a loss of protein function (PMID: 16199547), and loss-of-function variants in GGCX are known to be pathogenic (PMID: 17110937, 17327402, 24520408). This variant is not present in population databases (gnomAD no frequency). This variant has not been reported in the literature in individuals affected with GGCX-related conditions. Algorithms developed to predict the effect of sequence changes on RNA splicing suggest that this variant may disrupt the consensus splice site. In summary, the currently available evidence indicates that the variant is pathogenic, but additional data are needed to prove that conclusively. Therefore, this variant has been classified as Likely Pathogenic.

Literature cited by the submitters: PubMed 16199547; PubMed 17110937; PubMed 17327402; PubMed 24520408.

NM_000821.7(GGCX):c.726-2A>C

Gene: GGCX (gamma-glutamyl carboxylase; minus strand). Cytogenetic location: 2p11.2.
Variant type: single nucleotide variant.
Coding change: c.726-2A>C on transcript NM_000821.7 (MANE Select); the canonical splice acceptor site of the intron before coding-DNA position 726, A replaced by C.
Molecular consequence: splice acceptor variant.
Genome position (GRCh38, 1-based): chr2:85,554,308, T>G on the plus strand (A>C on the coding strand, the complement: GGCX is on the minus strand). VCF-style: chr2-85554308-T-G. GRCh37 (hg19) VCF-style: chr2-85781431-T-G.
Other names: c.555-2A>C (NM_001142269.4).
Identifiers: ClinVar variation 3689323 (VCV003689323.2).